The following is an entry in ClinVar:

NM_005902.4(SMAD3):c.802C>T (p.Arg268Cys)

Gene: SMAD3 (SMAD family member 3; plus strand). Cytogenetic location: 15q22.33.
Variant type: single nucleotide variant.
Coding change: c.802C>T on transcript NM_005902.4 (MANE Select); coding-DNA position 802, C replaced by T.
Protein change: p.Arg268Cys; replaces arginine 268 with cysteine.
Molecular consequence: missense variant.
Genome position (GRCh38, 1-based): chr15:67,181,384, C>T. VCF-style: chr15-67181384-C-T. GRCh37 (hg19) VCF-style: chr15-67473722-C-T.
Other names: p.R268C:CGC>TGC; p.Arg268Cys; c.487C>T, p.Arg163Cys (NM_001145102.2); c.670C>T, p.Arg224Cys (NM_001145103.2); c.217C>T, p.Arg73Cys (NM_001145104.2); short protein forms R268C, R73C, R224C, R163C.
Identifiers: ClinVar variation 198187 (VCV000198187.21), dbSNP rs794727798, ClinGen allele CA020119.

ClinVar aggregate classification (germline): Pathogenic/Likely pathogenic. Review status: criteria provided, multiple submitters, no conflicts (2 of 4 stars). 8 submissions from 8 submitters: Pathogenic (3); Likely pathogenic (3). 2 of the submissions do not count toward it. Last evaluated 2025-07-02.

Conditions:
SMAD3-related disorder. Also called: SMAD3-related condition.
Familial thoracic aortic aneurysm and aortic dissection (TAAD). Also called: Thoracic aortic aneurysms and dissections. Identifiers: Orphanet 91387, MedGen C4707243, MONDO:0019625.

Submissions (8):

Labcorp Genetics (formerly Invitae), Labcorp
Classification: Pathogenic for Familial thoracic aortic aneurysm and aortic dissection. Last evaluated: 2025-07-02. Review status: criteria provided, single submitter. Criteria: Invitae Variant Classification Sherloc (09022015). Collection method: clinical testing. Allele origin: germline.
Comment: This sequence change replaces arginine, which is basic and polar, with cysteine, which is neutral and slightly polar, at codon 268 of the SMAD3 protein (p.Arg268Cys). This variant is not present in population databases (gnomAD no frequency). This missense change has been observed in individuals with clinical features of SMAD3-related conditions (PMID: 29907982; internal data). ClinVar contains an entry for this variant (Variation ID: 198187). Invitae Evidence Modeling incorporating data from in vitro experimental studies (internal data) indicates that this missense variant is expected to disrupt SMAD3 function with a positive predictive value of 95%. Experimental studies have shown that this missense change affects SMAD3 function (PMID: 10092624). This variant disrupts the p.Arg268 amino acid residue in SMAD3. Other variant(s) that disrupt this residue have been determined to be pathogenic (PMID: 25944730, 26854089; internal data). This suggests that this residue is clinically significant, and that variants that disrupt this residue are likely to be disease-causing. For these reasons, this variant has been classified as Pathogenic.

Ambry Genetics
Classification: Likely pathogenic for Familial thoracic aortic aneurysm and aortic dissection. Last evaluated: 2025-05-23. Review status: criteria provided, single submitter. Criteria: Ambry Variant Classification Scheme 2023. Collection method: clinical testing. Allele origin: germline.
Comment: The p.R268C variant (also known as c.802C>T), located in coding exon 6 of the SMAD3 gene, results from a C to T substitution at nucleotide position 802. The arginine at codon 268 is replaced by cysteine, an amino acid with highly dissimilar properties. This missense alteration is located in a region that has a low rate of benign missense variation (Lek M et al. Nature. 2016 Aug 18;536(7616):285-91; DECIPHER: Database of Chromosomal Imbalance and Phenotype in Humans using Ensembl Resources. Firth H.V. et al. 2009. Am.J.Hum.Genet. 84, 524-533 (DOI)). This variant was reported in individual(s) with features consistent with SMAD3-related Loeys-Dietz syndrome (Overwater E et al. Hum Mutat, 2018 Sep;39:1173-1192; de Wagenaar NP et al. Hum Mol Genet, 2024 Jun;33:1090-1104). Other variant(s) at the same codon, p.R268H (c.803G>A), have been identified in individual(s) with features consistent with SMAD3-related Loeys-Dietz syndrome (Camerota L et al. Genes (Basel), 2019 Sep;10). This amino acid position is highly conserved in available vertebrate species. In addition, this alteration is predicted to be deleterious by in silico analysis. This variant is considered to be rare based on population cohorts in the Genome Aggregation Database (gnomAD). Based on the majority of available evidence to date, this variant is likely to be pathogenic.

GeneDx
Classification: Likely pathogenic. Last evaluated: 2024-12-27. Review status: criteria provided, single submitter. Criteria: GeneDx Variant Classification Process June 2021. Collection method: clinical testing. Allele origin: germline. Affected: yes.
Comment: Not observed at significant frequency in large population cohorts (gnomAD); Published in vitro functional studies suggest decreased transcriptional activity; however, it is unknown whether these findings replicate in vivo effect (PMID: 10092624, 23139211); In silico analysis supports that this missense variant has a deleterious effect on protein structure/function; This variant is associated with the following publications: (PMID: 23139211, 25944730, 21949838, 29907982, 32123317, 38538566, 34663891, 10092624)

Mayo Clinic Laboratories, Mayo Clinic
Classification: Pathogenic. Last evaluated: 2024-07-31. Review status: criteria provided, single submitter. Criteria: ACMG Guidelines, 2015. Collection method: clinical testing. Allele origin: germline. Observed: 1 variant allele.
Comment: PP2, PP3, PM1, PM2, PM5, PS3, PS4_moderate

Blueprint Genetics
Classification: Likely pathogenic for SMAD3-related disorders. Last evaluated: 2023-02-15. Review status: criteria provided, single submitter. Criteria: ACMG Guidelines, 2015. Collection method: clinical testing. Allele origin: germline. Affected: yes. Observed: 1 variant allele.

Eurofins Ntd Llc (ga)
Classification: Pathogenic. Last evaluated: 2015-10-27. Review status: criteria provided, single submitter. Criteria: EGL Classification Definitions 2015. Collection method: clinical testing. Allele origin: germline. Observed: 3 variant alleles, 3 heterozygotes.

Clinical Genetics DNA and cytogenetics Diagnostics Lab, Erasmus MC, Erasmus Medical Center
Classification: Likely pathogenic. Review status: no assertion criteria provided. Collection method: clinical testing. Allele origin: germline. Affected: yes. Study: VKGL Data-share Consensus. Not counted in ClinVar's aggregate classification.

Genome Diagnostics Laboratory, Amsterdam University Medical Center
Classification: Likely pathogenic. Review status: no assertion criteria provided. Collection method: clinical testing. Allele origin: germline. Affected: yes. Study: VKGL Data-share Consensus. Not counted in ClinVar's aggregate classification.

Literature cited by the submitters: PubMed 29907982 (cited by 3 submitters); PubMed 10092624 (cited by 3 submitters); PubMed 25944730 (cited by 3 submitters); PubMed 26854089 (cited by Labcorp Genetics (formerly Invitae), Labcorp); PubMed 38538566 (cited by Ambry Genetics and Mayo Clinic Laboratories, Mayo Clinic); PubMed 21949838 (cited by Mayo Clinic Laboratories, Mayo Clinic and Eurofins Ntd Llc (ga)); PubMed 23139211 (cited by Mayo Clinic Laboratories, Mayo Clinic and Eurofins Ntd Llc (ga)); PubMed 32123317 (cited by Mayo Clinic Laboratories, Mayo Clinic).